The following is an entry in ClinVar:

ClinVar aggregate classification (germline): Uncertain significance (1 of 4 stars; one submission).

Conditions:
Dilated cardiomyopathy 1J (CMD1J). Also called: CARDIOMYOPATHY, DILATED, WITH SENSORINEURAL HEARING LOSS, AUTOSOMAL DOMINANT. Identifiers: Orphanet 217622, MedGen C1854368, MONDO:0011541, OMIM 605362.

gnomAD v4.1: 1 of 1,614,038 alleles (0.000062%); highest among the groups gnomAD compares: East Asian, 0.0022%; no homozygotes.

Submission:

Labcorp Genetics (formerly Invitae), Labcorp
Classification: Uncertain significance for Dilated cardiomyopathy 1J. Last evaluated: 2024-03-31. Review status: criteria provided, single submitter. Criteria: Invitae Variant Classification Sherloc (09022015). Collection method: clinical testing. Allele origin: germline.
Comment: This sequence change replaces alanine, which is neutral and non-polar, with threonine, which is neutral and polar, at codon 162 of the EYA4 protein (p.Ala162Thr). This variant is present in population databases (no rsID available, gnomAD 0.006%). This variant has not been reported in the literature in individuals affected with EYA4-related conditions. Advanced modeling of protein sequence and biophysical properties (such as structural, functional, and spatial information, amino acid conservation, physicochemical variation, residue mobility, and thermodynamic stability) performed at Invitae indicates that this missense variant is not expected to disrupt EYA4 protein function with a negative predictive value of 80%. In summary, the available evidence is currently insufficient to determine the role of this variant in disease. Therefore, it has been classified as a Variant of Uncertain Significance.

NM_004100.5(EYA4):c.484G>A (p.Ala162Thr)

Gene: EYA4 (EYA transcriptional coactivator and phosphatase 4; plus strand). Cytogenetic location: 6q23.2.
Variant type: single nucleotide variant.
Coding change: c.484G>A on transcript NM_004100.5 (MANE Select); coding-DNA position 484, G replaced by A.
Protein change: p.Ala162Thr; replaces alanine 162 with threonine.
Molecular consequence: missense variant.
Genome position (GRCh38, 1-based): chr6:133,462,381, G>A. VCF-style: chr6-133462381-G-A. GRCh37 (hg19) VCF-style: chr6-133783519-G-A.
Other names: c.322G>A, p.Ala108Thr (NM_001301012.2, NM_001370459.1); c.484G>A, p.Ala162Thr (NM_001301013.2, NM_172105.4); c.415G>A, p.Ala139Thr (NM_001370458.1, NM_172103.4); short protein forms A108T, A139T, A162T.
Identifiers: ClinVar variation 3616553 (VCV003616553.2).